The following is an entry in ClinVar:

ClinVar aggregate classification (germline): Uncertain significance. Review status: criteria provided, multiple submitters, no conflicts (2 of 4 stars). 2 submissions from 2 submitters: Uncertain significance (2). Last evaluated 2022-04-03.

Conditions:
Myoclonic epilepsy of Lafora 1 (MELF1). Also called: EPM2A-Related Lafora Disease; EPILEPSY, PROGRESSIVE MYOCLONIC, 2A; LAFORA DISEASE 1; Epilepsy, progressive myoclonic 2A (Lafora). Identifiers: MedGen CN377204, MONDO:0958199, OMIM 254780.
Progressive myoclonic epilepsy. Also called: Familial progressive myoclonic epilepsy; Progressive myoclonus epilepsy; Myoclonic Epilepsies, Progressive; Myoclonus epilepsy. Identifiers: Orphanet 308, Orphanet 98261, MedGen C0751778, MONDO:0020074.

Allele frequency attached by ClinVar (database versions not stated): TOPMed below 0.00001; gnomAD 0.00001.

Submissions (2):

Labcorp Genetics (formerly Invitae), Labcorp
Classification: Uncertain significance for Progressive myoclonic epilepsy. Last evaluated: 2022-04-03. Review status: criteria provided, single submitter. Criteria: Invitae Variant Classification Sherloc (09022015). Collection method: clinical testing. Allele origin: germline.
Comment: This sequence change replaces alanine, which is neutral and non-polar, with valine, which is neutral and non-polar, at codon 72 of the EPM2A protein (p.Ala72Val). The frequency data for this variant in the population databases is considered unreliable, as metrics indicate poor data quality at this position in the gnomAD database. This variant has not been reported in the literature in individuals affected with EPM2A-related conditions. ClinVar contains an entry for this variant (Variation ID: 1019461). Algorithms developed to predict the effect of missense changes on protein structure and function output the following: SIFT: "Deleterious"; PolyPhen-2: "Benign"; Align-GVGD: "Class C0". The valine amino acid residue is found in multiple mammalian species, which suggests that this missense change does not adversely affect protein function. In summary, the available evidence is currently insufficient to determine the role of this variant in disease. Therefore, it has been classified as a Variant of Uncertain Significance.

Department of Pathology and Laboratory Medicine, Sinai Health System
Classification: Uncertain significance for Myoclonic epilepsy of Lafora 1. Last evaluated: 2021-10-18. Review status: criteria provided, single submitter. Criteria: ACMG Guidelines, 2015. Collection method: research. Allele origin: germline.

NM_005670.4(EPM2A):c.215C>T (p.Ala72Val)

Genes: EPM2A (EPM2A glucan phosphatase, laforin; minus strand), EPM2A-DT (EPM2A divergent transcript; plus strand), LOC129997381 (ATAC-STARR-seq lymphoblastoid silent region 17642; plus strand). Cytogenetic location: 6q24.3.
Variant type: single nucleotide variant.
Coding change: c.215C>T on transcript NM_005670.4 (MANE Select); coding-DNA position 215, C replaced by T.
Protein change: p.Ala72Val; replaces alanine 72 with valine.
Molecular consequence: missense variant. On other transcripts: 5 prime UTR variant (3), intron variant (1).
Genome position (GRCh38, 1-based): chr6:145,735,284, G>A on the plus strand (C>T on the coding strand, the complement: EPM2A is on the minus strand). VCF-style: chr6-145735284-G-A. GRCh37 (hg19) VCF-style: chr6-146056420-G-A.
Other names: c.215C>T, p.Ala72Val (NM_001018041.2, NM_001360057.2, NM_001368130.1); c.-455C>T (NM_001360071.2); c.-409C>T (NM_001368129.2); c.-153C>T (NM_001368131.1); c.-114+624C>T (NM_001360064.2); short protein forms A72V.
Identifiers: ClinVar variation 1019461 (VCV001019461.10), dbSNP rs1284392729, ClinGen allele CA366188020.